The following is an entry in ClinVar:

NM_031466.8(TRAPPC9):c.-69C>T

Gene: TRAPPC9 (trafficking protein particle complex subunit 9; minus strand). Cytogenetic location: 8q24.3.
Variant type: single nucleotide variant.
Coding change: c.-69C>T on transcript NM_031466.8; 69 bases upstream of the start codon, C replaced by T.
Molecular consequence: 5 prime UTR variant.
Genome position (GRCh38, 1-based): chr8:140,458,339, G>A on the plus strand (C>T on the coding strand, the complement: TRAPPC9 is on the minus strand). VCF-style: chr8-140458339-G-A. GRCh37 (hg19) VCF-style: chr8-141468438-G-A.
Identifiers: ClinVar variation 1788755 (VCV001788755.4), dbSNP rs774113233, ClinGen allele CA4893850.
Genomic context (GRCh38, chr8:140,458,339, plus strand): 5'-ACCAGTCCTTCAGGGCGCGCAGCTCAAATTTCACTTCCTCTGTGAAGCTCAGGGGTGGAG[G>A]CCCCGCGGAAGCCCACTGTGGATCCCTGCGGCACCCCCTGTGACCCTCACGGTACCCCCC-3'

ClinVar aggregate classification (germline): Uncertain significance. Review status: criteria provided, multiple submitters, no conflicts (2 of 4 stars). 2 submissions from 2 submitters: Uncertain significance (2). Last evaluated 2022-06-28.

Conditions:
Inborn genetic diseases. Identifiers: MedGen C0950123, MeSH D030342.

Allele frequency attached by ClinVar (database versions not stated): TOPMed 0.00002; ExAC 0.00003; gnomAD 0.00001; gnomAD exomes 0.00001.
gnomAD v4.1: 9 of 1,584,374 alleles (0.00057%); highest among the groups gnomAD compares: Admixed American, 0.015%; no homozygotes.

Submissions (2):

Labcorp Genetics (formerly Invitae), Labcorp
Classification: Uncertain significance. Last evaluated: 2022-06-28. Review status: criteria provided, single submitter. Criteria: Invitae Variant Classification Sherloc (09022015). Collection method: clinical testing. Allele origin: germline.
Comment: This sequence change replaces proline, which is neutral and non-polar, with serine, which is neutral and polar, at codon 76 of the TRAPPC9 protein (p.Pro76Ser). The frequency data for this variant in the population databases is considered unreliable, as metrics indicate poor data quality at this position in the gnomAD database. This variant has not been reported in the literature in individuals affected with TRAPPC9-related conditions. Algorithms developed to predict the effect of missense changes on protein structure and function are either unavailable or do not agree on the potential impact of this missense change (SIFT: "Not Available"; PolyPhen-2: "Benign"; Align-GVGD: "Not Available"). In summary, the available evidence is currently insufficient to determine the role of this variant in disease. Therefore, it has been classified as a Variant of Uncertain Significance.

Ambry Genetics
Classification: Uncertain significance for Inborn genetic diseases. Last evaluated: 2018-12-07. Review status: criteria provided, single submitter. Criteria: Ambry Variant Classification Scheme 2023. Collection method: clinical testing. Allele origin: germline.
Comment: The p.P76S variant (also known as c.226C>T), located in coding exon 1 of the TRAPPC9 gene, results from a C to T substitution at nucleotide position 226. The proline at codon 76 is replaced by serine, an amino acid with similar properties. This amino acid position is highly conserved in available vertebrate species. In addition, this alteration is predicted to be tolerated by in silico analysis. Since supporting evidence is limited at this time, the clinical significance of this alteration remains unclear.